The following is an entry in ClinVar:

ClinVar aggregate classification (germline): Uncertain significance (1 of 4 stars; one submission).

Submission:

Labcorp Genetics (formerly Invitae), Labcorp
Classification: Uncertain significance. Last evaluated: 2022-02-21. Review status: criteria provided, single submitter. Criteria: Invitae Variant Classification Sherloc (09022015). Collection method: clinical testing. Allele origin: germline.
Comment: This sequence change replaces asparagine, which is neutral and polar, with tyrosine, which is neutral and polar, at codon 2797 of the ANK3 protein (p.Asn2797Tyr). This variant is not present in population databases (gnomAD no frequency). This variant has not been reported in the literature in individuals affected with ANK3-related conditions. Algorithms developed to predict the effect of missense changes on protein structure and function are either unavailable or do not agree on the potential impact of this missense change (SIFT: "Not Available"; PolyPhen-2: "Benign"; Align-GVGD: "Not Available"). In summary, the available evidence is currently insufficient to determine the role of this variant in disease. Therefore, it has been classified as a Variant of Uncertain Significance.

NM_020987.5(ANK3):c.8389A>T (p.Asn2797Tyr)

Gene: ANK3 (ankyrin 3; minus strand). Cytogenetic location: 10q21.2.
Variant type: single nucleotide variant.
Coding change: c.8389A>T on transcript NM_020987.5 (MANE Select); coding-DNA position 8389, A replaced by T.
Protein change: p.Asn2797Tyr; replaces asparagine 2797 with tyrosine.
Molecular consequence: missense variant. On other transcripts: intron variant (4).
Genome position (GRCh38, 1-based): chr10:60,072,492, T>A on the plus strand (A>T on the coding strand, the complement: ANK3 is on the minus strand). VCF-style: chr10-60072492-T-A. GRCh37 (hg19) VCF-style: chr10-61832250-T-A.
Other names: c.4388-4483A>T (NM_001204403.2); c.4409-4483A>T (NM_001204404.2); c.4406-4483A>T (NM_001320874.2); c.1808-4483A>T (NM_001149.4); short protein forms N2797Y.
Identifiers: ClinVar variation 2101171 (VCV002101171.4), dbSNP rs2492542898, ClinGen allele CA377007946.